The following is an entry in ClinVar:

ClinVar aggregate classification (germline): Uncertain significance. Review status: criteria provided, multiple submitters, no conflicts (2 of 4 stars). 2 submissions from 2 submitters: Uncertain significance (2). Last evaluated 2025-01-19.

Allele frequency attached by ClinVar (database versions not stated): 1000 Genomes Project 0.00020; gnomAD 0.00028; 1000 Genomes Project 30x 0.00016; ESP Exome Variant Server 0.00031; ExAC 0.00072; TOPMed 0.00029; gnomAD exomes 0.00051.
gnomAD v4.1: 799 of 1,593,066 alleles (0.05%); highest among the groups gnomAD compares: Admixed American, 0.058%; 2 homozygotes.

Submissions (3):

Ambry Genetics
Classification: Uncertain significance. Last evaluated: 2025-01-19. Review status: criteria provided, single submitter. Criteria: Ambry Variant Classification Scheme 2023. Collection method: clinical testing. Allele origin: germline.

Labcorp Genetics (formerly Invitae), Labcorp
Classification: Uncertain significance. Last evaluated: 2024-09-27. Review status: criteria provided, single submitter. Criteria: Invitae Variant Classification Sherloc (09022015). Collection method: clinical testing. Allele origin: germline.
Comment: This sequence change replaces arginine, which is basic and polar, with tryptophan, which is neutral and slightly polar, at codon 1627 of the SIPA1L3 protein (p.Arg1627Trp). This variant is present in population databases (rs61729138, gnomAD 0.07%), and has an allele count higher than expected for a pathogenic variant. This variant has not been reported in the literature in individuals affected with SIPA1L3-related conditions. ClinVar contains an entry for this variant (Variation ID: 2047328). An algorithm developed to predict the effect of missense changes on protein structure and function (PolyPhen-2) suggests that this variant is likely to be disruptive. In summary, the available evidence is currently insufficient to determine the role of this variant in disease. Therefore, it has been classified as a Variant of Uncertain Significance.

Dr. Peter K. Rogan Lab, Western University
No classification provided (evidence only). Condition: Malignant tumor of urinary bladder. Review status: no classification provided. Collection method: in vitro. Allele origin: not applicable. Functional consequence: skipped exon, retained intron. Not counted in ClinVar's aggregate classification.

NM_015073.3(SIPA1L3):c.4879C>T (p.Arg1627Trp)

Gene: SIPA1L3 (signal induced proliferation associated 1 like 3; plus strand). Cytogenetic location: 19q13.13.
Variant type: single nucleotide variant.
Coding change: c.4879C>T on transcript NM_015073.3 (MANE Select); coding-DNA position 4879, C replaced by T.
Protein change: p.Arg1627Trp; replaces arginine 1627 with tryptophan.
Molecular consequence: missense variant.
Genome position (GRCh38, 1-based): chr19:38,198,427, C>T. VCF-style: chr19-38198427-C-T. GRCh37 (hg19) VCF-style: chr19-38689067-C-T.
Other names: c.4879C>T (NM_015073.1); short protein forms R1627W.
Identifiers: ClinVar variation 2047328 (VCV002047328.6), dbSNP rs61729138, ClinGen allele CA9410529.